The following is an entry in ClinVar:

ClinVar aggregate classification (germline): Likely pathogenic (1 of 4 stars; one submission).

Submission:

Labcorp Genetics (formerly Invitae), Labcorp
Classification: Likely pathogenic. Last evaluated: 2022-10-11. Review status: criteria provided, single submitter. Criteria: Invitae Variant Classification Sherloc (09022015). Collection method: clinical testing. Allele origin: germline.
Comment: In summary, the currently available evidence indicates that the variant is pathogenic, but additional data are needed to prove that conclusively. Therefore, this variant has been classified as Likely Pathogenic. Algorithms developed to predict the effect of sequence changes on RNA splicing suggest that this variant may disrupt the consensus splice site. This variant has not been reported in the literature in individuals affected with ADGRV1-related conditions. This variant is not present in population databases (gnomAD no frequency). This sequence change affects a donor splice site in intron 85 of the ADGRV1 gene. It is expected to disrupt RNA splicing. Variants that disrupt the donor or acceptor splice site typically lead to a loss of protein function (PMID: 16199547), and loss-of-function variants in ADGRV1 are known to be pathogenic (PMID: 19357117, 22135276, 22147658, 26226137, 30718709, 31047384, 32467589).

Literature cited by the submitters: PubMed 16199547; PubMed 19357117; PubMed 22135276; PubMed 22147658; PubMed 26226137; PubMed 30718709; PubMed 31047384; PubMed 32467589.

NM_032119.4(ADGRV1):c.18152+1G>T

Gene: ADGRV1 (adhesion G protein-coupled receptor V1; plus strand). Cytogenetic location: 5q14.3.
Variant type: single nucleotide variant.
Coding change: c.18152+1G>T on transcript NM_032119.4 (MANE Select); the canonical splice donor site of the intron after coding-DNA position 18152, G replaced by T.
Molecular consequence: splice donor variant.
Genome position (GRCh38, 1-based): chr5:90,985,523, G>T. VCF-style: chr5-90985523-G-T. GRCh37 (hg19) VCF-style: chr5-90281340-G-T.
Identifiers: ClinVar variation 2035154 (VCV002035154.4), dbSNP rs2151049870, ClinGen allele CA360429418.
Genomic context (GRCh38, chr5:90,985,523, plus strand): 5'-TTTGAAAGGAATCTATCATCAGAGCATGTCACAGATCTATGGACTCATTCATGGTGACCT[G>T]TAAGTACACCCAGGCAACACATTGCCCTAGCTTTCATGTACCTAAGCAGATTTCGTTGCC-3'